The following is an entry in ClinVar:

NM_000112.4(SLC26A2):c.719A>T (p.Gln240Leu)

Gene: SLC26A2 (solute carrier family 26 member 2; plus strand). Cytogenetic location: 5q32.
Variant type: single nucleotide variant.
Coding change: c.719A>T on transcript NM_000112.4 (MANE Select); coding-DNA position 719, A replaced by T.
Protein change: p.Gln240Leu; replaces glutamine 240 with leucine.
Molecular consequence: missense variant.
Genome position (GRCh38, 1-based): chr5:149,980,312, A>T. VCF-style: chr5-149980312-A-T. GRCh37 (hg19) VCF-style: chr5-149359875-A-T.
Other names: short protein forms Q240L.
Identifiers: ClinVar variation 1982675 (VCV001982675.4), dbSNP rs2480774079, ClinGen allele CA361706117.

ClinVar aggregate classification (germline): Uncertain significance (1 of 4 stars; one submission).

Conditions:
Achondrogenesis, type IB (ACG1B). Also called: Achondrogenesis Type 1B. Identifiers: Orphanet 932, Orphanet 93298, MedGen C0265274, MONDO:0010966, OMIM 600972.
Multiple epiphyseal dysplasia type 4 (EDM4). Also called: Multiple Epiphyseal Dysplasia, Recessive; MULTIPLE EPIPHYSEAL DYSPLASIA WITH BILAYERED PATELLAE; MULTIPLE EPIPHYSEAL DYSPLASIA WITH CLUBFOOT; MULTIPLE EPIPHYSEAL DYSPLASIA, AUTOSOMAL RECESSIVE; SLC26A2-Related Multiple Epiphyseal Dysplasia. Identifiers: Orphanet 93307, MedGen C1847593, MONDO:0009189, OMIM 226900.
Diastrophic dysplasia (DTD). Also called: Diastrophic dwarfism. Identifiers: Orphanet 628, MedGen C0220726, MONDO:0009107, OMIM 222600.
Atelosteogenesis type II (AO2). Also called: SLC26A2-Related Atelosteogenesis; NEONATAL OSSEOUS DYSPLASIA I; Neonatal osseous dysplasia 1. Identifiers: Orphanet 56304, MedGen C1850554, MONDO:0009727, OMIM 256050.

Allele frequency attached by ClinVar (database versions not stated): gnomAD exomes below 0.00001.

Submission:

Labcorp Genetics (formerly Invitae), Labcorp
Classification: Uncertain significance for Atelosteogenesis type II; Multiple epiphyseal dysplasia type 4; Achondrogenesis, type IB; Diastrophic dysplasia. Last evaluated: 2023-12-21. Review status: criteria provided, single submitter. Criteria: Invitae Variant Classification Sherloc (09022015). Collection method: clinical testing. Allele origin: germline.
Comment: This sequence change replaces glutamine, which is neutral and polar, with leucine, which is neutral and non-polar, at codon 240 of the SLC26A2 protein (p.Gln240Leu). This variant is not present in population databases (gnomAD no frequency). This variant has not been reported in the literature in individuals affected with SLC26A2-related conditions. ClinVar contains an entry for this variant (Variation ID: 1982675). Advanced modeling of protein sequence and biophysical properties (such as structural, functional, and spatial information, amino acid conservation, physicochemical variation, residue mobility, and thermodynamic stability) performed at Invitae indicates that this missense variant is expected to disrupt SLC26A2 protein function with a positive predictive value of 80%. In summary, the available evidence is currently insufficient to determine the role of this variant in disease. Therefore, it has been classified as a Variant of Uncertain Significance.